The following is an entry in ClinVar:

ClinVar aggregate classification (germline): Uncertain significance (1 of 4 stars; one submission).

Submission:

Labcorp Genetics (formerly Invitae), Labcorp
Classification: Uncertain significance. Last evaluated: 2022-02-10. Review status: criteria provided, single submitter. Criteria: Invitae Variant Classification Sherloc (09022015). Collection method: clinical testing. Allele origin: germline.
Comment: In summary, the available evidence is currently insufficient to determine the role of this variant in disease. Therefore, it has been classified as a Variant of Uncertain Significance. This variant has not been reported in the literature in individuals affected with NALCN-related conditions. This variant is a gross deletion of the genomic region encompassing exon(s) 11 of the NALCN gene. This variant would be expected to be in-frame, preserving the integrity of the reading frame.

NC_000013.10:g.(?_101910774)_(101910945_?)del

Gene: NALCN (sodium leak channel, non-selective; minus strand). Cytogenetic location: 13q33.1.
Variant type: Deletion.
Identifiers: ClinVar variation 2427151 (VCV002427151.4).